The following is an entry in ClinVar:

NM_001372.4(DNAH9):c.10453C>T (p.Arg3485Trp)

Genes: DNAH9 (dynein axonemal heavy chain 9; plus strand), LOC101928350 (uncharacterized LOC101928350; minus strand). Cytogenetic location: 17p12.
Variant type: single nucleotide variant.
Coding change: c.10453C>T on transcript NM_001372.4 (MANE Select); coding-DNA position 10453, C replaced by T.
Protein change: p.Arg3485Trp; replaces arginine 3485 with tryptophan.
Molecular consequence: missense variant.
Genome position (GRCh38, 1-based): chr17:11,875,159, C>T. VCF-style: chr17-11875159-C-T. GRCh37 (hg19) VCF-style: chr17-11778476-C-T.
Other names: c.10453C>T (NM_001372.3); short protein forms R3485W.
Identifiers: ClinVar variation 1896765 (VCV001896765.7), dbSNP rs370956573, ClinGen allele CA8397511.

ClinVar aggregate classification (germline): Uncertain significance. Review status: criteria provided, multiple submitters, no conflicts (2 of 4 stars). 3 submissions from 3 submitters: Uncertain significance (3). Last evaluated 2026-03-31.

Allele frequency attached by ClinVar (database versions not stated): gnomAD exomes 0.00003; ExAC 0.00005; ESP Exome Variant Server 0.00015; TOPMed 0.00003; gnomAD 0.00004.
gnomAD v4.1: 57 of 1,611,296 alleles (0.0035%); highest among the groups gnomAD compares: Middle Eastern, 0.016%; no homozygotes.

Submissions (3):

GeneDx
Classification: Uncertain significance. Last evaluated: 2026-03-31. Review status: criteria provided, single submitter. Criteria: GeneDx Variant Classification Process June 2021. Collection method: clinical testing. Allele origin: germline.
Comment: In silico analysis supports that this missense variant has a deleterious effect on protein structure/function; Has not been previously published as pathogenic or benign to our knowledge

Labcorp Genetics (formerly Invitae), Labcorp
Classification: Uncertain significance. Last evaluated: 2024-10-08. Review status: criteria provided, single submitter. Criteria: Invitae Variant Classification Sherloc (09022015). Collection method: clinical testing. Allele origin: germline.
Comment: This sequence change replaces arginine, which is basic and polar, with tryptophan, which is neutral and slightly polar, at codon 3485 of the DNAH9 protein (p.Arg3485Trp). This variant is present in population databases (rs370956573, gnomAD 0.01%). This variant has not been reported in the literature in individuals affected with DNAH9-related conditions. ClinVar contains an entry for this variant (Variation ID: 1896765). Invitae Evidence Modeling of protein sequence and biophysical properties (such as structural, functional, and spatial information, amino acid conservation, physicochemical variation, residue mobility, and thermodynamic stability) indicates that this missense variant is expected to disrupt DNAH9 protein function with a positive predictive value of 80%. In summary, the available evidence is currently insufficient to determine the role of this variant in disease. Therefore, it has been classified as a Variant of Uncertain Significance.

Blueprint Genetics
Classification: Uncertain significance. Last evaluated: 2022-02-25. Review status: criteria provided, single submitter. Criteria: ACMG Guidelines, 2015. Collection method: clinical testing. Allele origin: germline.